The following is an entry in ClinVar:

ClinVar aggregate classification (germline): Uncertain significance. Review status: criteria provided, multiple submitters, no conflicts (2 of 4 stars). 3 submissions from 3 submitters: Uncertain significance (3). Last evaluated 2025-05-07.

Conditions:
Dworschak-Punetha neurodevelopmental syndrome (DWOPNED). Identifiers: MedGen C5677017, MONDO:0859260, OMIM 619955.
PLXNA1-related disorder. Also called: PLXNA1-related condition.

Allele frequency attached by ClinVar (database versions not stated): TOPMed 0.00001.

Submissions (3):

PreventionGenetics, part of Exact Sciences
Classification: Uncertain significance for PLXNA1-related condition. Last evaluated: 2025-05-07. Review status: criteria provided, single submitter. Criteria: ACMG Guidelines, 2015. Collection method: clinical testing. Allele origin: germline.
Comment: The PLXNA1 c.617T>G variant is predicted to result in the amino acid substitution p.Leu206Arg. To our knowledge, this variant has not been reported in the literature or in a large population database (gnomAD), indicating this variant is rare. At this time, the clinical significance of this variant is uncertain due to the absence of conclusive functional and genetic evidence.

Undiagnosed Diseases Network, NIH
Classification: Uncertain significance for Dworschak-Punetha neurodevelopmental syndrome. Last evaluated: 2025-01-02. Review status: criteria provided, single submitter. Criteria: ACMG Guidelines, 2015. Collection method: clinical testing. Allele origin: paternal. Inheritance: Autosomal recessive inheritance. Affected: yes. Observed: 1 variant allele, 1 compound heterozygote. Study: Undiagnosed Diseases Network (NIH), UDN.

Ambry Genetics
Classification: Uncertain significance. Last evaluated: 2021-06-18. Review status: criteria provided, single submitter. Criteria: Ambry Variant Classification Scheme 2023. Collection method: clinical testing. Allele origin: germline.

NM_032242.4(PLXNA1):c.617T>G (p.Leu206Arg)

Gene: PLXNA1 (plexin A1; plus strand). Cytogenetic location: 3q21.3.
Variant type: single nucleotide variant.
Coding change: c.617T>G on transcript NM_032242.4 (MANE Select); coding-DNA position 617, T replaced by G.
Protein change: p.Leu206Arg; replaces leucine 206 with arginine.
Molecular consequence: missense variant.
Genome position (GRCh38, 1-based): chr3:126,989,210, T>G. VCF-style: chr3-126989210-T-G. GRCh37 (hg19) VCF-style: chr3-126708053-T-G.
Other names: p.L206R; short protein forms L206R.
Identifiers: ClinVar variation 2233799 (VCV002233799.4), dbSNP rs761287603, ClinGen allele CA83278686.